The following is an entry in ClinVar:

NM_006231.4(POLE):c.2424C>G (p.His808Gln)

Gene: POLE (DNA polymerase epsilon, catalytic subunit; minus strand). Cytogenetic location: 12q24.33.
Variant type: single nucleotide variant.
Coding change: c.2424C>G on transcript NM_006231.4 (MANE Select); coding-DNA position 2424, C replaced by G.
Protein change: p.His808Gln; replaces histidine 808 with glutamine.
Molecular consequence: missense variant.
Genome position (GRCh38, 1-based): chr12:132,665,346, G>C on the plus strand (C>G on the coding strand, the complement: POLE is on the minus strand). VCF-style: chr12-132665346-G-C. GRCh37 (hg19) VCF-style: chr12-133241932-G-C.
Other names: c.2424C>G (NM_006231.2); short protein forms H808Q.
Identifiers: ClinVar variation 962459 (VCV000962459.11), dbSNP rs748519694, ClinGen allele CA387397153.

ClinVar aggregate classification (germline): Uncertain significance. Review status: criteria provided, multiple submitters, no conflicts (2 of 4 stars). 2 submissions from 2 submitters: Uncertain significance (2). Last evaluated 2025-11-17.

Conditions:
Hereditary cancer-predisposing syndrome. Also called: Tumor predisposition; Hereditary neoplastic syndrome; Hereditary Cancer Syndrome; Neoplastic Syndromes, Hereditary. Identifiers: Orphanet 140162, MedGen C0027672, MeSH D009386, MONDO:0015356.

Submissions (2):

Labcorp Genetics (formerly Invitae), Labcorp
Classification: Uncertain significance. Last evaluated: 2025-11-17. Review status: criteria provided, single submitter. Criteria: Invitae Variant Classification Sherloc (09022015). Collection method: clinical testing. Allele origin: germline.
Comment: This sequence change replaces histidine, which is basic and polar, with glutamine, which is neutral and polar, at codon 808 of the POLE protein (p.His808Gln). This variant is not present in population databases (gnomAD no frequency). This variant has not been reported in the literature in individuals affected with POLE-related conditions. ClinVar contains an entry for this variant (Variation ID: 962459). Invitae Evidence Modeling of protein sequence and biophysical properties (such as structural, functional, and spatial information, amino acid conservation, physicochemical variation, residue mobility, and thermodynamic stability) indicates that this missense variant is expected to disrupt POLE protein function with a positive predictive value of 80%. In summary, the available evidence is currently insufficient to determine the role of this variant in disease. Therefore, it has been classified as a Variant of Uncertain Significance.

Ambry Genetics
Classification: Uncertain significance for Hereditary cancer-predisposing syndrome. Last evaluated: 2023-07-23. Review status: criteria provided, single submitter. Criteria: Ambry Variant Classification Scheme 2023. Collection method: clinical testing. Allele origin: germline.
Comment: The p.H808Q variant (also known as c.2424C>G), located in coding exon 21 of the POLE gene, results from a C to G substitution at nucleotide position 2424. The histidine at codon 808 is replaced by glutamine, an amino acid with highly similar properties. This amino acid position is conserved. In addition, the in silico prediction for this alteration is inconclusive. Since supporting evidence is limited at this time, the clinical significance of this alteration remains unclear.